The following is an entry in ClinVar:

ClinVar aggregate classification (germline): Pathogenic. Review status: criteria provided, multiple submitters, no conflicts (2 of 4 stars). 2 submissions from 2 submitters: Pathogenic (2). Last evaluated 2024-07-21.

Conditions:
Hereditary cancer-predisposing syndrome. Also called: Neoplastic Syndromes, Hereditary; Tumor predisposition; Hereditary Cancer Syndrome; Hereditary neoplastic syndrome. Identifiers: Orphanet 140162, MedGen C0027672, MeSH D009386, MONDO:0015356.
Hereditary breast ovarian cancer syndrome. Also called: Hereditary breast and/or ovarian cancer syndrome; BRCA1- and BRCA2-Associated Hereditary Breast and Ovarian Cancer; Hereditary breast and ovarian cancer syndrome; Hereditary breast and ovarian cancer; Hereditary breast and ovarian cancer syndrome (HBOC); Breast and ovarian cancer. Identifiers: Orphanet 145, MedGen C0677776, MeSH D061325, MONDO:0003582. Disease mechanism: loss of function.

Submissions (2):

Labcorp Genetics (formerly Invitae), Labcorp
Classification: Pathogenic for Hereditary breast ovarian cancer syndrome. Last evaluated: 2024-07-21. Review status: criteria provided, single submitter. Criteria: Invitae Variant Classification Sherloc (09022015). Collection method: clinical testing. Allele origin: germline.
Comment: This sequence change creates a premature translational stop signal (p.Lys776Argfs*7) in the BRCA2 gene. It is expected to result in an absent or disrupted protein product. Loss-of-function variants in BRCA2 are known to be pathogenic (PMID: 20104584). This variant is not present in population databases (gnomAD no frequency). This variant has not been reported in the literature in individuals affected with BRCA2-related conditions. ClinVar contains an entry for this variant (Variation ID: 821104). For these reasons, this variant has been classified as Pathogenic.

Ambry Genetics
Classification: Pathogenic for Hereditary cancer-predisposing syndrome. Last evaluated: 2019-07-16. Review status: criteria provided, single submitter. Criteria: Ambry Variant Classification Scheme 2023. Collection method: clinical testing. Allele origin: germline.
Comment: The c.2327delA pathogenic mutation, located in coding exon 10 of the BRCA2 gene, results from a deletion of one nucleotide at nucleotide position 2327, causing a translational frameshift with a predicted alternate stop codon (p.K776Rfs*7). This alteration is expected to result in loss of function by premature protein truncation or nonsense-mediated mRNA decay. As such, this alteration is interpreted as a disease-causing mutation.

Literature cited by the submitters: PubMed 20104584 (cited by Labcorp Genetics (formerly Invitae), Labcorp).

NM_000059.4(BRCA2):c.2327del (p.Lys776fs)

Gene: BRCA2 (BRCA2 DNA repair associated; plus strand). Cytogenetic location: 13q13.1.
Variant type: Deletion.
Coding change: c.2327del on transcript NM_000059.4 (MANE Select); coding-DNA position 2327, one base deleted (A; older notation c.2327delA).
Protein change: p.Lys776fs; shifts the reading frame from lysine 776.
Molecular consequence: frameshift variant.
Genome position (GRCh38, 1-based): chr13:32,336,682, A deleted; the last of 2 consecutive A bases (chr13:32,336,681-32,336,682); deleting either gives the same sequence. VCF-style (leftmost placement, unchanged base first): chr13-32336680-CA-C. GRCh37 (hg19) VCF-style: chr13-32910817-CA-C.
Other names: short protein forms K776fs.
Identifiers: ClinVar variation 821104 (VCV000821104.6), dbSNP rs1593896647, ClinGen allele CA915946985.